The following is an entry in ClinVar:

NM_002485.5(NBN):c.208_209insTA (p.Asp70fs)

Gene: NBN (nibrin; minus strand). Cytogenetic location: 8q21.3.
Variant type: Insertion.
Coding change: c.208_209insTA on transcript NM_002485.5 (MANE Select); coding-DNA positions 208 to 209, TA inserted.
Protein change: p.Asp70fs; shifts the reading frame from aspartic acid 70.
Molecular consequence: frameshift variant. On other transcripts: 5 prime UTR variant (1).
Genome position: GRCh38 VCF-style: chr8-89981486-T-TTA. GRCh37 (hg19) VCF-style: chr8-90993714-T-TTA.
Other names: c.-39_-38insTA (NM_001024688.3); short protein forms D70fs.
Identifiers: ClinVar variation 1456232 (VCV001456232.6), dbSNP rs2129915990, ClinGen allele CA2573143457.

ClinVar aggregate classification (germline): Pathogenic (1 of 4 stars; one submission).

Conditions:
Microcephaly, normal intelligence and immunodeficiency (NBS). Also called: BERLIN BREAKAGE SYNDROME; Immunodeficiency, microcephaly with normal intelligence; IMMUNODEFICIENCY, MICROCEPHALY, AND CHROMOSOMAL INSTABILITY; SEEMANOVA SYNDROME II; Ataxia telangiectasia variant V1; Nijmegen breakage syndrome. Identifiers: Orphanet 647, MedGen C0398791, MONDO:0009623, OMIM 251260.

Submission:

Labcorp Genetics (formerly Invitae), Labcorp
Classification: Pathogenic for Microcephaly, normal intelligence and immunodeficiency. Last evaluated: 2021-12-24. Review status: criteria provided, single submitter. Criteria: Invitae Variant Classification Sherloc (09022015). Collection method: clinical testing. Allele origin: germline.
Comment: This sequence change creates a premature translational stop signal (p.Asp70Valfs*23) in the NBN gene. It is expected to result in an absent or disrupted protein product. Loss-of-function variants in NBN are known to be pathogenic (PMID: 9590180, 16415040). This variant is not present in population databases (gnomAD no frequency). This variant has not been reported in the literature in individuals affected with NBN-related conditions. Algorithms developed to predict the effect of sequence changes on RNA splicing suggest that this variant may create or strengthen a splice site. For these reasons, this variant has been classified as Pathogenic.

Literature cited by the submitters: PubMed 9590180; PubMed 16415040.